The following is an entry in ClinVar:

ClinVar aggregate classification (germline): Conflicting classifications of pathogenicity. Review status: criteria provided, conflicting classifications (1 of 4 stars). 4 submissions from 4 submitters: Uncertain significance (1); Benign (1); Likely benign (1). 1 of the submissions does not count toward it. Last evaluated 2024-04-01.

Conditions:
PCNT-related disorder. Also called: PCNT-related condition.
Microcephalic osteodysplastic primordial dwarfism type II (MOPD2). Also called: Microcephalic osteodysplastic primordial dwarfism with tooth abnormalities; MOPD II; OSTEODYSPLASTIC PRIMORDIAL DWARFISM, TYPE II. Identifiers: Orphanet 2637, MedGen C0432246, MONDO:0008872, OMIM 210720.

Allele frequency attached by ClinVar (database versions not stated): 1000 Genomes Project 30x 0.00016; ExAC 0.00019; 1000 Genomes Project 0.00020; gnomAD 0.00009 and 0.00012; gnomAD exomes 0.00010 and 0.00014; TOPMed 0.00014.
gnomAD v4.1: 162 of 1,613,916 alleles (0.01%); highest among the groups gnomAD compares: East Asian, 0.33%; 1 homozygote.

Submissions (4):

Labcorp Genetics (formerly Invitae), Labcorp
Classification: Benign. Last evaluated: 2024-04-01. Review status: criteria provided, single submitter. Criteria: Invitae Variant Classification Sherloc (09022015). Collection method: clinical testing. Allele origin: germline.

ARUP Laboratories, Molecular Genetics and Genomics, ARUP Laboratories
Classification: Likely benign for Microcephalic osteodysplastic primordial dwarfism type II. Last evaluated: 2022-03-10. Review status: criteria provided, single submitter. Criteria: ARUP Molecular Germline Variant Investigation Process 2021. Collection method: clinical testing. Allele origin: germline.

Illumina Laboratory Services, Illumina
Classification: Uncertain significance for Microcephalic osteodysplastic primordial dwarfism type II. Last evaluated: 2018-01-13. Review status: criteria provided, single submitter. Criteria: ICSL Variant Classification Criteria 13 December 2019. Collection method: clinical testing. Allele origin: germline.

PreventionGenetics, part of Exact Sciences
Classification: Likely benign for PCNT-related condition. Last evaluated: 2022-10-25. Review status: no assertion criteria provided. Collection method: clinical testing. Allele origin: germline. Not counted in ClinVar's aggregate classification.
Comment: This variant is classified as likely benign based on ACMG/AMP sequence variant interpretation guidelines (Richards et al. 2015 PMID: 25741868, with internal and published modifications).

NM_006031.6(PCNT):c.1155A>G (p.Ala385=)

Gene: PCNT (pericentrin; plus strand). Cytogenetic location: 21q22.3.
Variant type: single nucleotide variant.
Coding change: c.1155A>G on transcript NM_006031.6 (MANE Select); coding-DNA position 1155, A replaced by G.
Protein change: p.Ala385=; no amino-acid change (alanine 385 retained).
Molecular consequence: synonymous variant.
Genome position (GRCh38, 1-based): chr21:46,349,134, A>G. VCF-style: chr21-46349134-A-G. GRCh37 (hg19) VCF-style: chr21-47769048-A-G.
Other names: c.801A>G, p.Ala267= (NM_001315529.2).
Identifiers: ClinVar variation 340468 (VCV000340468.13), dbSNP rs201944549, ClinGen allele CA10078521.